The following is an entry in ClinVar:

ClinVar aggregate classification (germline): Uncertain significance (1 of 4 stars; one submission).

Conditions:
Hereditary breast ovarian cancer syndrome. Also called: Hereditary breast and ovarian cancer syndrome; Hereditary breast and ovarian cancer syndrome (HBOC); Hereditary breast and/or ovarian cancer syndrome; Hereditary breast and ovarian cancer; Breast and ovarian cancer; BRCA1- and BRCA2-Associated Hereditary Breast and Ovarian Cancer. Identifiers: Orphanet 145, MedGen C0677776, MeSH D061325, MONDO:0003582. Disease mechanism: loss of function.

Submission:

Labcorp Genetics (formerly Invitae), Labcorp
Classification: Uncertain significance for Hereditary breast ovarian cancer syndrome. Last evaluated: 2023-07-06. Review status: criteria provided, single submitter. Criteria: Invitae Variant Classification Sherloc (09022015). Collection method: clinical testing. Allele origin: germline.
Comment: Advanced modeling of protein sequence and biophysical properties (such as structural, functional, and spatial information, amino acid conservation, physicochemical variation, residue mobility, and thermodynamic stability) performed at Invitae indicates that this missense variant is not expected to disrupt BRCA2 protein function. In summary, the available evidence is currently insufficient to determine the role of this variant in disease. Therefore, it has been classified as a Variant of Uncertain Significance. This variant has not been reported in the literature in individuals affected with BRCA2-related conditions. This sequence change replaces glutamic acid, which is acidic and polar, with glycine, which is neutral and non-polar, at codon 2123 of the BRCA2 protein (p.Glu2123Gly). This variant is not present in population databases (gnomAD no frequency).

NM_000059.4(BRCA2):c.6368A>G (p.Glu2123Gly)

Gene: BRCA2 (BRCA2 DNA repair associated; plus strand). Cytogenetic location: 13q13.1.
Variant type: single nucleotide variant.
Coding change: c.6368A>G on transcript NM_000059.4 (MANE Select); coding-DNA position 6368, A replaced by G.
Protein change: p.Glu2123Gly; replaces glutamic acid 2123 with glycine.
Molecular consequence: missense variant. On other transcripts: non-coding transcript variant (1), intron variant (2).
Genome position (GRCh38, 1-based): chr13:32,340,723, A>G. VCF-style: chr13-32340723-A-G. GRCh37 (hg19) VCF-style: chr13-32914860-A-G.
Other names: c.6368A>G, p.Glu2123Gly (NM_001406719.1, NM_001406720.1); c.1910-3835A>G (NM_001406721.1); c.425-3835A>G (NM_001406722.1); short protein forms E2123G.
Identifiers: ClinVar variation 2796142 (VCV002796142.3), dbSNP rs2137526778, ClinGen allele CA387789165.